The following is an entry in ClinVar:

NM_000492.4(CFTR):c.274-8T>C

Gene: CFTR (CF transmembrane conductance regulator; plus strand). Cytogenetic location: 7q31.2.
Variant type: single nucleotide variant.
Coding change: c.274-8T>C on transcript NM_000492.4 (MANE Select); 8 bases into the intron before coding-DNA position 274, T replaced by C.
Molecular consequence: intron variant.
Genome position (GRCh38, 1-based): chr7:117,530,891, T>C. VCF-style: chr7-117530891-T-C. GRCh37 (hg19) VCF-style: chr7-117170945-T-C.
Identifiers: ClinVar variation 702607 (VCV000702607.36), dbSNP rs1186141962, ClinGen allele CA577670846.

ClinVar aggregate classification (germline): Likely benign. Review status: criteria provided, multiple submitters, no conflicts (2 of 4 stars). 3 submissions from 3 submitters: Likely benign (3). Last evaluated 2026-01-19.

Conditions:
Cystic fibrosis (CF). Also called: MUCOVISCIDOSIS. Identifiers: Orphanet 586, MedGen C0010674, MONDO:0009061, OMIM 219700. Disease mechanism: loss of function.

Allele frequency attached by ClinVar (database versions not stated): gnomAD exomes 0.00001; gnomAD 0.00003; TOPMed 0.00003.
gnomAD v4.1: 14 of 1,582,226 alleles (0.00088%); highest among the groups gnomAD compares: Admixed American, 0.0017%; no homozygotes.

Submissions (3):

Labcorp Genetics (formerly Invitae), Labcorp
Classification: Likely benign for Cystic fibrosis. Last evaluated: 2026-01-19. Review status: criteria provided, single submitter. Criteria: Invitae Variant Classification Sherloc (09022015). Collection method: clinical testing. Allele origin: germline.

CeGaT Center for Human Genetics Tuebingen
Classification: Likely benign. Last evaluated: 2024-05-01. Review status: criteria provided, single submitter. Criteria: CeGaT Center For Human Genetics Tuebingen Variant Classification Criteria Version 2. Collection method: clinical testing. Allele origin: germline. Affected: yes. Observed: 2 variant alleles.
Comment: CFTR: BP4

Ambry Genetics
Classification: Likely benign for Cystic fibrosis. Last evaluated: 2023-05-17. Review status: criteria provided, single submitter. Criteria: Ambry Variant Classification Scheme 2023. Collection method: clinical testing. Allele origin: germline.